The following is an entry in ClinVar:

NM_032520.5(GNPTG):c.233+1G>T

Gene: GNPTG (N-acetylglucosamine-1-phosphate transferase subunit gamma; plus strand). Cytogenetic location: 16p13.3.
Variant type: single nucleotide variant.
Coding change: c.233+1G>T on transcript NM_032520.5 (MANE Select); the canonical splice donor site of the intron after coding-DNA position 233, G replaced by T.
Molecular consequence: splice donor variant.
Genome position (GRCh38, 1-based): chr16:1,361,798, G>T. VCF-style: chr16-1361798-G-T. GRCh37 (hg19) VCF-style: chr16-1411799-G-T.
Identifiers: ClinVar variation 557240 (VCV000557240.3), dbSNP rs376679416, ClinGen allele CA394186672.

ClinVar aggregate classification (germline): Pathogenic. Review status: criteria provided, single submitter (1 of 4 stars). 2 submissions from 2 submitters: Pathogenic (1). 1 of the submissions does not count toward it. Last evaluated 2025-09-14.

Conditions:
GNPTG-mucolipidosis. Also called: Mucolipidosis type III gamma; ML III GAMMA; ML IIIC; MUCOLIPIDOSIS III, COMPLEMENTATION GROUP C; MUCOLIPIDOSIS III, IRANIAN VARIANT FORM; MUCOLIPIDOSIS III, VARIANT FORM. Identifiers: Orphanet 423470, Orphanet 577, MedGen C1854896, MONDO:0009652, OMIM 252605.

gnomAD v4.1: 3 of 1,613,918 alleles (0.00019%); highest among the groups gnomAD compares: Middle Eastern, 0.017%; no homozygotes.

Submissions (2):

Labcorp Genetics (formerly Invitae), Labcorp
Classification: Pathogenic. Last evaluated: 2025-09-14. Review status: criteria provided, single submitter. Criteria: Invitae Variant Classification Sherloc (09022015). Collection method: clinical testing. Allele origin: germline.
Comment: This sequence change affects a donor splice site in intron 4 of the GNPTG gene. It is expected to disrupt RNA splicing. Variants that disrupt the donor or acceptor splice site typically lead to a loss of protein function (PMID: 16199547), and loss-of-function variants in GNPTG are known to be pathogenic (PMID: 19370764, 20301784). This variant is not present in population databases (gnomAD no frequency). Disruption of this splice site has been observed in individual(s) with clinical features of mucolipidosis III gamma (PMID: 30507725, 30882951). It has also been observed to segregate with disease in related individuals. ClinVar contains an entry for this variant (Variation ID: 557240). Algorithms developed to predict the effect of sequence changes on RNA splicing suggest that this variant may disrupt the consensus splice site. For these reasons, this variant has been classified as Pathogenic.

Counsyl
Classification: Likely pathogenic for GNPTG-mucolipidosis. Last evaluated: 2018-03-13. Review status: no assertion criteria provided. Collection method: clinical testing. Allele origin: unknown. Not counted in ClinVar's aggregate classification.

Literature cited by the submitters: PubMed 16199547 (cited by Labcorp Genetics (formerly Invitae), Labcorp); PubMed 19370764 (cited by Labcorp Genetics (formerly Invitae), Labcorp); PubMed 20301784 (cited by Labcorp Genetics (formerly Invitae), Labcorp); PubMed 30507725 (cited by Labcorp Genetics (formerly Invitae), Labcorp); PubMed 30882951 (cited by Labcorp Genetics (formerly Invitae), Labcorp).